The following is an entry in ClinVar:

NM_006180.6(NTRK2):c.1108G>T (p.Asp370Tyr)

Gene: NTRK2 (neurotrophic receptor tyrosine kinase 2; plus strand). Cytogenetic location: 9q21.33.
Variant type: single nucleotide variant.
Coding change: c.1108G>T on transcript NM_006180.6 (MANE Select); coding-DNA position 1108, G replaced by T.
Protein change: p.Asp370Tyr; replaces aspartic acid 370 with tyrosine.
Molecular consequence: missense variant.
Genome position (GRCh38, 1-based): chr9:84,727,908, G>T. VCF-style: chr9-84727908-G-T. GRCh37 (hg19) VCF-style: chr9-87342823-G-T.
Other names: c.1108G>T, p.Asp370Tyr (NM_001369540.1, NM_001369541.1, NM_001369542.1 and 17 more transcripts); c.1069G>T, p.Asp357Tyr (NM_001369546.1, NM_001291937.2); c.640G>T, p.Asp214Tyr (NM_001369535.1, NM_001369536.1, NM_001369550.1 and 2 more transcripts); short protein forms D214Y, D357Y, D370Y.
Identifiers: ClinVar variation 1718281 (VCV001718281.5), dbSNP rs2062572285, ClinGen allele CA374009124.

ClinVar aggregate classification (germline): Uncertain significance (1 of 4 stars; one submission).

Allele frequency attached by ClinVar (database versions not stated): gnomAD exomes below 0.00001; TOPMed below 0.00001; gnomAD 0.00001.
gnomAD v4.1: 2 of 1,614,104 alleles (0.00012%); highest among the groups gnomAD compares: South Asian, 0.0011%; no homozygotes.

Submission:

Labcorp Genetics (formerly Invitae), Labcorp
Classification: Uncertain significance. Last evaluated: 2023-07-08. Review status: criteria provided, single submitter. Criteria: Invitae Variant Classification Sherloc (09022015). Collection method: clinical testing. Allele origin: germline.
Comment: ClinVar contains an entry for this variant (Variation ID: 1718281). This variant has not been reported in the literature in individuals affected with NTRK2-related conditions. Advanced modeling of protein sequence and biophysical properties (such as structural, functional, and spatial information, amino acid conservation, physicochemical variation, residue mobility, and thermodynamic stability) performed at Invitae indicates that this missense variant is not expected to disrupt NTRK2 protein function. In summary, the available evidence is currently insufficient to determine the role of this variant in disease. Therefore, it has been classified as a Variant of Uncertain Significance. This sequence change replaces aspartic acid, which is acidic and polar, with tyrosine, which is neutral and polar, at codon 370 of the NTRK2 protein (p.Asp370Tyr). This variant is not present in population databases (gnomAD no frequency).